The following is an entry in ClinVar:

NM_000245.4(MET):c.1496A>G (p.Asn499Ser)

Gene: MET (MET proto-oncogene, receptor tyrosine kinase; plus strand). Cytogenetic location: 7q31.2.
Variant type: single nucleotide variant.
Coding change: c.1496A>G on transcript NM_000245.4 (MANE Select); coding-DNA position 1496, A replaced by G.
Protein change: p.Asn499Ser; replaces asparagine 499 with serine.
Molecular consequence: missense variant.
Genome position (GRCh38, 1-based): chr7:116,740,053, A>G. VCF-style: chr7-116740053-A-G. GRCh37 (hg19) VCF-style: chr7-116380107-A-G.
Other names: c.1496A>G, p.Asn499Ser (NM_001127500.3, NM_001324401.3); c.206A>G, p.Asn69Ser (NM_001324402.2); short protein forms N499S, N69S.
Identifiers: ClinVar variation 584711 (VCV000584711.11), dbSNP rs1253878709, ClinGen allele CA368974257.

ClinVar aggregate classification (germline): Conflicting classifications of pathogenicity. Review status: criteria provided, conflicting classifications (1 of 4 stars). 4 submissions from 4 submitters: Uncertain significance (3); Likely benign (1). Last evaluated 2025-05-16.

Conditions:
Renal cell carcinoma. Identifiers: Orphanet 217071, MedGen C0007134, MeSH D002292, MONDO:0005086, HP:0005584.
Hereditary cancer-predisposing syndrome. Also called: Neoplastic Syndromes, Hereditary; Hereditary Cancer Syndrome; Tumor predisposition; Hereditary neoplastic syndrome. Identifiers: Orphanet 140162, MedGen C0027672, MeSH D009386, MONDO:0015356.
Papillary renal cell carcinoma type 1 (RCCP1). Also called: Renal adenocarcinoma; Renal cell carcinoma 1; Renal cell carcinoma, somatic; RENAL CELL CARCINOMA, PAPILLARY, 1, SOMATIC. Identifiers: Orphanet 47044, MedGen C1336839, OMIM 605074, HP:0011797.

gnomAD v4.1: 1 of 1,614,160 alleles (0.000062%); highest among the groups gnomAD compares: Admixed American, 0.0017%; no homozygotes.

Submissions (4):

GeneDx
Classification: Uncertain significance. Last evaluated: 2025-05-16. Review status: criteria provided, single submitter. Criteria: GeneDx Variant Classification Process June 2021. Collection method: clinical testing. Allele origin: germline. Affected: yes.
Comment: Not observed at significant frequency in large population cohorts (gnomAD); In silico analysis suggests that this missense variant does not alter protein structure/function; Observed in a patient with breast cancer (PMID: 35264596); This variant is associated with the following publications: (PMID: 35264596)

Ambry Genetics
Classification: Likely benign for Hereditary cancer-predisposing syndrome. Last evaluated: 2023-12-26. Review status: criteria provided, single submitter. Criteria: Ambry Variant Classification Scheme 2023. Collection method: clinical testing. Allele origin: germline.

Labcorp Genetics (formerly Invitae), Labcorp
Classification: Uncertain significance for Renal cell carcinoma. Last evaluated: 2022-12-16. Review status: criteria provided, single submitter. Criteria: Invitae Variant Classification Sherloc (09022015). Collection method: clinical testing. Allele origin: germline.
Comment: In summary, the available evidence is currently insufficient to determine the role of this variant in disease. Therefore, it has been classified as a Variant of Uncertain Significance. Algorithms developed to predict the effect of missense changes on protein structure and function (SIFT, PolyPhen-2, Align-GVGD) all suggest that this variant is likely to be tolerated. ClinVar contains an entry for this variant (Variation ID: 584711). This variant has not been reported in the literature in individuals affected with MET-related conditions. This variant is present in population databases (no rsID available, gnomAD 0.003%). This sequence change replaces asparagine, which is neutral and polar, with serine, which is neutral and polar, at codon 499 of the MET protein (p.Asn499Ser).

Mendelics
Classification: Uncertain significance for Renal cell carcinoma, papillary, 1. Last evaluated: 2018-07-02. Review status: criteria provided, single submitter. Criteria: Mendelics Assertion Criteria 2017. Collection method: clinical testing. Allele origin: unknown.